The following is an entry in ClinVar:

NM_000475.5(NR0B1):c.637C>T (p.Leu213Phe)

Gene: NR0B1 (nuclear receptor subfamily 0 group B member 1; minus strand). Cytogenetic location: Xp21.2.
Variant type: single nucleotide variant.
Coding change: c.637C>T on transcript NM_000475.5 (MANE Select); coding-DNA position 637, C replaced by T.
Protein change: p.Leu213Phe; replaces leucine 213 with phenylalanine.
Molecular consequence: missense variant.
Genome position (GRCh38, 1-based): chrX:30,308,727, G>A on the plus strand (C>T on the coding strand, the complement: NR0B1 is on the minus strand). VCF-style: chrX-30308727-G-A. GRCh37 (hg19) VCF-style: chrX-30326844-G-A.
Other names: short protein forms L213F.
Identifiers: ClinVar variation 4794556 (VCV004794556.1).

ClinVar aggregate classification (germline): Uncertain significance (1 of 4 stars; one submission).

Conditions:
Congenital adrenal hypoplasia, X-linked (AHC). Also called: Isolated X-Linked Adrenal Hypoplasia Congenita; X-linked AHC; X-Linked Adrenal Hypoplasia Congenita; ADRENAL HYPOPLASIA, CONGENITAL, WITH HYPOGONADOTROPIC HYPOGONADISM. Identifiers: Orphanet 95702, MedGen C0342482, MONDO:0010264, OMIM 300200. Disease mechanism: loss of function.
46,XY sex reversal 2. Also called: NR0B1-Related 46,XY CGD; NR0B1-related 46,XY complete gonadal dysgenesis; Dosage-sensitive sex reversal; 46,XY SEX REVERSAL, DAX1-RELATED; 46XY sex reversal 2, dosage-sensitive. Identifiers: MedGen C1848296, MONDO:0010226, OMIM 300018.

Submission:

Labcorp Genetics (formerly Invitae), Labcorp
Classification: Uncertain significance for Congenital adrenal hypoplasia, X-linked; 46,XY sex reversal 2. Last evaluated: 2025-12-17. Review status: criteria provided, single submitter. Criteria: Invitae Variant Classification Sherloc (09022015). Collection method: clinical testing. Allele origin: germline.
Comment: This sequence change replaces leucine, which is neutral and non-polar, with phenylalanine, which is neutral and non-polar, at codon 213 of the NR0B1 protein (p.Leu213Phe). This variant is not present in population databases (gnomAD no frequency). This variant has not been reported in the literature in individuals affected with NR0B1-related conditions. An algorithm developed to predict the effect of missense changes on protein structure and function outputs the following: PolyPhen-2: "Benign". The phenylalanine amino acid residue is found in multiple mammalian species, which suggests that this missense change does not adversely affect protein function. In summary, the available evidence is currently insufficient to determine the role of this variant in disease. Therefore, it has been classified as a Variant of Uncertain Significance.